The following is an entry in ClinVar:

NM_001321120.2(TBX4):c.1034G>A (p.Arg345His)

Gene: TBX4 (T-box transcription factor 4; plus strand). Cytogenetic location: 17q23.2.
Variant type: single nucleotide variant.
Coding change: c.1034G>A on transcript NM_001321120.2 (MANE Select); coding-DNA position 1034, G replaced by A.
Protein change: p.Arg345His; replaces arginine 345 with histidine.
Molecular consequence: missense variant.
Genome position (GRCh38, 1-based): chr17:61,482,909, G>A. VCF-style: chr17-61482909-G-A. GRCh37 (hg19) VCF-style: chr17-59560270-G-A.
Other names: c.1031G>A, p.Arg344His (NM_018488.3); short protein forms R345H, R344H.
Identifiers: ClinVar variation 2147803 (VCV002147803.4), dbSNP rs200962877, ClinGen allele CA8690006.
Genomic context (GRCh38, chr17:61,482,909, plus strand): 5'-CCTGGGCTGGTGGAAATGGTTCTTCCTGAATGTTACTTTGTCTTTCAGCAGACGGTACCC[G>A]CCACCTGGACTTACCTTGCAAGCGATCCTATCTGGAAGCCCCCTCTTCGGTGGGGGAGGA-3'
Protein context (NP_001308049.1, residues 335-355): HCLKRRADGT[Arg345His]HLDLPCKRSY

ClinVar aggregate classification (germline): Uncertain significance (1 of 4 stars; one submission).

Allele frequency attached by ClinVar (database versions not stated): TOPMed 0.00005; ExAC 0.00006; ESP Exome Variant Server 0.00008; gnomAD 0.00008.
gnomAD v4.1: 146 of 1,613,408 alleles (0.009%); highest among the groups gnomAD compares: Non-Finnish European, 0.01%; no homozygotes.

Submission:

Labcorp Genetics (formerly Invitae), Labcorp
Classification: Uncertain significance. Last evaluated: 2022-04-13. Review status: criteria provided, single submitter. Criteria: Invitae Variant Classification Sherloc (09022015). Collection method: clinical testing. Allele origin: germline.
Comment: In summary, the available evidence is currently insufficient to determine the role of this variant in disease. Therefore, it has been classified as a Variant of Uncertain Significance. Advanced modeling of protein sequence and biophysical properties (such as structural, functional, and spatial information, amino acid conservation, physicochemical variation, residue mobility, and thermodynamic stability) performed at Invitae indicates that this missense variant is not expected to disrupt TBX4 protein function. This variant has not been reported in the literature in individuals affected with TBX4-related conditions. This variant is present in population databases (rs200962877, gnomAD 0.01%). This sequence change replaces arginine, which is basic and polar, with histidine, which is basic and polar, at codon 344 of the TBX4 protein (p.Arg344His).